The following is an entry in ClinVar:

ClinVar aggregate classification (germline): Likely benign (1 of 4 stars; one submission).

Conditions:
ALG1-related disorder. Also called: ALG1-related condition.

gnomAD v4.1: 21 of 1,554,412 alleles (0.0014%); highest among the groups gnomAD compares: Non-Finnish European, 0.0017%; no homozygotes.

Submission:

PreventionGenetics, part of Exact Sciences
Classification: Likely benign for ALG1-related condition. Last evaluated: 2025-04-11. Review status: criteria provided, single submitter. Criteria: ACMG Guidelines, 2015. Collection method: clinical testing. Allele origin: germline.
Comment: This variant is classified as likely benign based on ACMG/AMP sequence variant interpretation guidelines (Richards et al. 2015 PMID: 25741868, with internal and published modifications).

NM_019109.5(ALG1):c.208+28G>T

Gene: ALG1 (ALG1 chitobiosyldiphosphodolichol beta-mannosyltransferase; plus strand). Cytogenetic location: 16p13.3.
Variant type: single nucleotide variant.
Coding change: c.208+28G>T on transcript NM_019109.5 (MANE Select); 28 bases into the intron after coding-DNA position 208, G replaced by T.
Molecular consequence: intron variant.
Genome position (GRCh38, 1-based): chr16:5,072,085, G>T. VCF-style: chr16-5072085-G-T. GRCh37 (hg19) VCF-style: chr16-5122086-G-T.
Other names: c.208+28G>T (NM_001438123.1).
Identifiers: ClinVar variation 4985933 (VCV004985933.1).